The following is an entry in ClinVar:

ClinVar aggregate classification (germline): Uncertain significance (1 of 4 stars; one submission).

Conditions:
Hereditary cancer-predisposing syndrome. Also called: Neoplastic Syndromes, Hereditary; Hereditary Cancer Syndrome; Tumor predisposition; Hereditary neoplastic syndrome. Identifiers: Orphanet 140162, MedGen C0027672, MeSH D009386, MONDO:0015356.

Submission:

Ambry Genetics
Classification: Uncertain significance for Hereditary cancer-predisposing syndrome. Last evaluated: 2025-02-05. Review status: criteria provided, single submitter. Criteria: Ambry Variant Classification Scheme 2023. Collection method: clinical testing. Allele origin: germline.
Comment: The p.F158Y variant (also known as c.473T>A), located in coding exon 4 of the TSC1 gene, results from a T to A substitution at nucleotide position 473. The phenylalanine at codon 158 is replaced by tyrosine, an amino acid with highly similar properties. This amino acid position is highly conserved in available vertebrate species. In addition, this alteration is predicted to be deleterious by in silico analysis. Based on the available evidence, the clinical significance of this variant remains unclear.

NM_000368.5(TSC1):c.473T>A (p.Phe158Tyr)

Gene: TSC1 (TSC complex subunit 1; minus strand). Cytogenetic location: 9q34.13.
Variant type: single nucleotide variant.
Coding change: c.473T>A on transcript NM_000368.5 (MANE Select); coding-DNA position 473, T replaced by A.
Protein change: p.Phe158Tyr; replaces phenylalanine 158 with tyrosine.
Molecular consequence: missense variant. On other transcripts: 5 prime UTR variant (5), non-coding transcript variant (5).
Genome position (GRCh38, 1-based): chr9:132,923,383, A>T on the plus strand (T>A on the coding strand, the complement: TSC1 is on the minus strand). VCF-style: chr9-132923383-A-T. GRCh37 (hg19) VCF-style: chr9-135798770-A-T.
Other names: c.473T>A, p.Phe158Tyr (NM_001162426.2, NM_001406592.1, NM_001406593.1 and 16 more transcripts); c.320T>A, p.Phe107Tyr (NM_001162427.2, NM_001406610.1, NM_001406611.1 and 2 more transcripts); c.110T>A, p.Phe37Tyr (NM_001362177.2, NM_001406614.1, NM_001406615.1 and 10 more transcripts); c.-405T>A (NM_001406626.1, NM_001406627.1, NM_001406628.1); c.-547T>A (NM_001406629.1); c.-621T>A (NM_001406630.1); short protein forms F37Y, F107Y, F158Y.
Identifiers: ClinVar variation 3811247 (VCV003811247.1).